The following is an entry in ClinVar:

NM_004082.5(DCTN1):c.1702-7C>T

Gene: DCTN1 (dynactin subunit 1; minus strand). Cytogenetic location: 2p13.1.
Variant type: single nucleotide variant.
Coding change: c.1702-7C>T on transcript NM_004082.5 (MANE Select); 7 bases into the intron before coding-DNA position 1702, C replaced by T.
Molecular consequence: intron variant.
Genome position (GRCh38, 1-based): chr2:74,368,887, G>A on the plus strand (C>T on the coding strand, the complement: DCTN1 is on the minus strand). VCF-style: chr2-74368887-G-A. GRCh37 (hg19) VCF-style: chr2-74596014-G-A.
Other names: p.?; c.1591-7C>T (NM_001190836.2); c.1633-7C>T (NM_001378992.1); c.1651-7C>T (NM_001378991.1); c.1642-7C>T (NM_001135040.3); c.1681-7C>T (NM_001190837.2); c.1300-7C>T (NM_001135041.3, NM_023019.4).
Identifiers: ClinVar variation 706756 (VCV000706756.12), dbSNP rs554887316, ClinGen allele CA1722054.

ClinVar aggregate classification (germline): Benign/Likely benign. Review status: criteria provided, multiple submitters, no conflicts (2 of 4 stars). 2 submissions from 2 submitters: Benign (1); Likely benign (1). Last evaluated 2025-10-14.

Conditions:
Perry syndrome. Also called: PARKINSONISM WITH ALVEOLAR HYPOVENTILATION AND MENTAL DEPRESSION. Identifiers: Orphanet 178509, MedGen C1868594, MONDO:0008201, OMIM 168605.
Neuronopathy, distal hereditary motor, type 7B. Also called: NEURONOPATHY, DISTAL HEREDITARY MOTOR, AUTOSOMAL DOMINANT 14; NEURONOPATHY, DISTAL HEREDITARY MOTOR, HARDING TYPE VIIB; NEUROPATHY, DISTAL HEREDITARY MOTOR, HARDING TYPE VIIB; NEUROPATHY, DISTAL HEREDITARY MOTOR, WITH VOCAL CORD PARALYSIS, HARDING TYPE VIIB; HMN VIIB; LOWER MOTOR NEURON DISEASE, DYNACTIN TYPE. Identifiers: Orphanet 139589, MedGen C1843315, MONDO:0011879, OMIM 607641.
Amyotrophic lateral sclerosis type 1 (ALS1). Also called: AMYOTROPHIC LATERAL SCLEROSIS 1, FAMILIAL. Identifiers: Orphanet 803, MedGen C1862939, MONDO:0007103, OMIM 105400.

Allele frequency attached by ClinVar (database versions not stated): gnomAD 0.00002 and 0.00004; TOPMed 0.00002; gnomAD exomes 0.00010; ExAC 0.00013; 1000 Genomes Project 0.00020; 1000 Genomes Project 30x 0.00031.

Submissions (2):

Mayo Clinic Laboratories, Mayo Clinic
Classification: Likely benign. Last evaluated: 2025-10-14. Review status: criteria provided, single submitter. Criteria: ACMG Guidelines, 2015. Collection method: clinical testing. Allele origin: germline. Observed: 1 variant allele.
Comment: BP4, BP7

Labcorp Genetics (formerly Invitae), Labcorp
Classification: Benign for Amyotrophic lateral sclerosis type 1; Neuronopathy, distal hereditary motor, type 7B; Perry syndrome. Last evaluated: 2024-11-23. Review status: criteria provided, single submitter. Criteria: Invitae Variant Classification Sherloc (09022015). Collection method: clinical testing. Allele origin: germline.